The following is an entry in ClinVar:

NM_003719.5(PDE8B):c.2343C>T (p.Asp781=)

Gene: PDE8B (phosphodiesterase 8B; plus strand). Cytogenetic location: 5q13.3.
Variant type: single nucleotide variant.
Coding change: c.2343C>T on transcript NM_003719.5 (MANE Select); coding-DNA position 2343, C replaced by T.
Protein change: p.Asp781=; no amino-acid change (aspartic acid 781 retained).
Molecular consequence: synonymous variant.
Genome position (GRCh38, 1-based): chr5:77,421,913, C>T. VCF-style: chr5-77421913-C-T. GRCh37 (hg19) VCF-style: chr5-76717738-C-T.
Other names: c.2052C>T, p.Asp684= (NM_001029851.4); c.2178C>T, p.Asp726= (NM_001029852.4); c.2283C>T, p.Asp761= (NM_001029853.4); c.2202C>T, p.Asp734= (NM_001029854.4); c.2340C>T, p.Asp780= (NM_001349748.3, NM_001349751.3); c.2406C>T, p.Asp802= (NM_001349749.3); c.2103C>T, p.Asp701= (NM_001349750.3); c.2037C>T, p.Asp679= (NM_001349752.3); and 12 more.
Identifiers: ClinVar variation 354173 (VCV000354173.14), dbSNP rs558853134, ClinGen allele CA3315482.
Genomic context (GRCh38, chr5:77,421,913, plus strand): 5'-TGGGAAGAACTTCCCTGAAAACCAAATCCTGATCAAACGCATGATGATTAAGTGTGCTGA[C>T]GTGGCCAACCCATGCCGCCCCTTGGACCTGTGCATTGAATGGGCTGGGAGGATCTCTGAG-3'
Protein context (NP_003710.1, residues 771-791): LIKRMMIKCA[Asp781=]VANPCRPLDL

ClinVar aggregate classification (germline): Likely benign. Review status: criteria provided, multiple submitters, no conflicts (2 of 4 stars). 3 submissions from 3 submitters: Likely benign (2). 1 of the submissions does not count toward it. Last evaluated 2022-09-05.

Conditions:
Autosomal dominant striatal neurodegeneration type 1. Identifiers: Orphanet 228169, MedGen C4310808, MONDO:0012205, OMIM 609161.
PDE8B-related disorder. Also called: PDE8B-related condition.

Allele frequency attached by ClinVar (database versions not stated): gnomAD exomes 0.00003 and 0.00006; gnomAD 0.00004 and 0.00005; TOPMed 0.00005; ExAC 0.00009; 1000 Genomes Project 30x 0.00031; 1000 Genomes Project 0.00040.
gnomAD v4.1: 56 of 1,614,120 alleles (0.0035%); highest among the groups gnomAD compares: East Asian, 0.011%; no homozygotes.

Submissions (3):

Labcorp Genetics (formerly Invitae), Labcorp
Classification: Likely benign. Last evaluated: 2022-09-05. Review status: criteria provided, single submitter. Criteria: Invitae Variant Classification Sherloc (09022015). Collection method: clinical testing. Allele origin: germline.

Illumina Laboratory Services, Illumina
Classification: Likely benign for Autosomal dominant striatal neurodegeneration type 1. Last evaluated: 2018-01-12. Review status: criteria provided, single submitter. Criteria: ICSL Variant Classification Criteria 13 December 2019. Collection method: clinical testing. Allele origin: germline.
Comment: This variant was observed in the ICSL laboratory as part of a predisposition screen in an ostensibly healthy population. It had not been previously curated by ICSL or reported in the Human Gene Mutation Database (HGMD: prior to June 1st, 2018), and was therefore a candidate for classification through an automated scoring system. Utilizing variant allele frequency, disease prevalence and penetrance estimates, and inheritance mode, an automated score was calculated to assess if this variant is too frequent to cause the disease. Based on the score and internal cut-off values, a variant classified as likely benign is not then subjected to further curation. The score for this variant resulted in a classification of likely benign for this disease.

PreventionGenetics, part of Exact Sciences
Classification: Likely benign for PDE8B-related condition. Last evaluated: 2024-02-15. Review status: no assertion criteria provided. Collection method: clinical testing. Allele origin: germline. Not counted in ClinVar's aggregate classification.
Comment: This variant is classified as likely benign based on ACMG/AMP sequence variant interpretation guidelines (Richards et al. 2015 PMID: 25741868, with internal and published modifications).